The following is an entry in ClinVar:

NM_018941.4(CLN8):c.176G>C (p.Arg59Thr)

Gene: CLN8 (CLN8 transmembrane ER and ERGIC protein; plus strand). Cytogenetic location: 8p23.3.
Variant type: single nucleotide variant.
Coding change: c.176G>C on transcript NM_018941.4 (MANE Select); coding-DNA position 176, G replaced by C.
Protein change: p.Arg59Thr; replaces arginine 59 with threonine.
Molecular consequence: missense variant.
Genome position (GRCh38, 1-based): chr8:1,771,230, G>C. VCF-style: chr8-1771230-G-C. GRCh37 (hg19) VCF-style: chr8-1719396-G-C.
Other names: p.R59T:AGA>ACA; short protein forms R59T.
Identifiers: ClinVar variation 205204 (VCV000205204.2), dbSNP rs796052364, ClinGen allele CA314044.

ClinVar aggregate classification (germline): Uncertain significance (1 of 4 stars; one submission).

Allele frequency attached by ClinVar (database versions not stated): gnomAD exomes below 0.00001.
gnomAD v4.1: 4 of 1,613,886 alleles (0.00025%); highest among the groups gnomAD compares: Non-Finnish European, 0.00034%; no homozygotes.

Submission:

GeneDx
Classification: Uncertain significance. Last evaluated: 2015-08-05. Review status: criteria provided, single submitter. Criteria: GeneDx Variant Classification (06012015). Collection method: clinical testing. Allele origin: germline. Affected: yes.
Comment: p.Arg59Thr (AGA>ACA): c.176 G>C in exon 2 of the CLN8 gene (NM_018941.3)The Arg59Thr missense change has not been published as a mutation, nor has it been reported as a benign polymorphism to our knowledge. It was not observed in approximately 6,500 individuals of European and African American ancestry in the NHLBI Exome Sequencing Project, indicating it is not a common benign variant in these populations. This variant is a non-conservative amino acid substitution of a positively charged Arginine residue with an uncharged Threonine residue at a position that is not conserved across species. In silico analysis predicts this variant is likely benign. Therefore, based on the currently available information, it is unclear whether Arg59Thr is a disease-causing mutation or a rare benign variant. The finding of a single missense variant of unknown clinical significance makes the molecular diagnosis inconclusive. The variant is found in EPILEPSY panel(s).